The following is an entry in ClinVar:

NM_000550.3(TYRP1):c.1124G>C (p.Ser375Thr)

Genes: LURAP1L-AS1 (LURAP1L antisense RNA 1; minus strand), TYRP1 (tyrosinase related protein 1; plus strand). Cytogenetic location: 9p23.
Variant type: single nucleotide variant.
Coding change: c.1124G>C on transcript NM_000550.3 (MANE Select); coding-DNA position 1124, G replaced by C.
Protein change: p.Ser375Thr; replaces serine 375 with threonine.
Molecular consequence: missense variant.
Genome position (GRCh38, 1-based): chr9:12,704,568, G>C. VCF-style: chr9-12704568-G-C. GRCh37 (hg19) VCF-style: chr9-12704568-G-C.
Other names: c.1124G>C (NM_000550.2); short protein forms S375T.
Identifiers: ClinVar variation 1406476 (VCV001406476.8), dbSNP rs779977893, ClinGen allele CA4985456.

ClinVar aggregate classification (germline): Uncertain significance. Review status: criteria provided, multiple submitters, no conflicts (2 of 4 stars). 2 submissions from 2 submitters: Uncertain significance (2). Last evaluated 2025-09-10.

Conditions:
Inborn genetic diseases. Identifiers: MedGen C0950123, MeSH D030342.

Submissions (2):

Ambry Genetics
Classification: Uncertain significance for Inborn genetic diseases. Last evaluated: 2025-09-10. Review status: criteria provided, single submitter. Criteria: Ambry Variant Classification Scheme 2023. Collection method: clinical testing. Allele origin: germline.

Labcorp Genetics (formerly Invitae), Labcorp
Classification: Uncertain significance. Last evaluated: 2024-04-17. Review status: criteria provided, single submitter. Criteria: Invitae Variant Classification Sherloc (09022015). Collection method: clinical testing. Allele origin: germline.
Comment: This sequence change replaces serine, which is neutral and polar, with threonine, which is neutral and polar, at codon 375 of the TYRP1 protein (p.Ser375Thr). This variant is present in population databases (rs779977893, gnomAD 0.03%). This variant has not been reported in the literature in individuals affected with TYRP1-related conditions. ClinVar contains an entry for this variant (Variation ID: 1406476). Advanced modeling of protein sequence and biophysical properties (such as structural, functional, and spatial information, amino acid conservation, physicochemical variation, residue mobility, and thermodynamic stability) performed at Invitae indicates that this missense variant is not expected to disrupt TYRP1 protein function with a negative predictive value of 80%. In summary, the available evidence is currently insufficient to determine the role of this variant in disease. Therefore, it has been classified as a Variant of Uncertain Significance.